The following is an entry in ClinVar:

ClinVar aggregate classification (germline): Uncertain significance (1 of 4 stars; one submission).

Submission:

Labcorp Genetics (formerly Invitae), Labcorp
Classification: Uncertain significance. Last evaluated: 2024-03-27. Review status: criteria provided, single submitter. Criteria: Invitae Variant Classification Sherloc (09022015). Collection method: clinical testing. Allele origin: germline.
Comment: This sequence change replaces valine, which is neutral and non-polar, with alanine, which is neutral and non-polar, at codon 1170 of the CDK13 protein (p.Val1170Ala). This variant is not present in population databases (gnomAD no frequency). This variant has not been reported in the literature in individuals affected with CDK13-related conditions. Advanced modeling of protein sequence and biophysical properties (such as structural, functional, and spatial information, amino acid conservation, physicochemical variation, residue mobility, and thermodynamic stability) performed at Invitae indicates that this missense variant is not expected to disrupt CDK13 protein function with a negative predictive value of 95%. In summary, the available evidence is currently insufficient to determine the role of this variant in disease. Therefore, it has been classified as a Variant of Uncertain Significance.

NM_003718.5(CDK13):c.3509T>C (p.Val1170Ala)

Gene: CDK13 (cyclin dependent kinase 13; plus strand). Cytogenetic location: 7p14.1.
Variant type: single nucleotide variant.
Coding change: c.3509T>C on transcript NM_003718.5 (MANE Select); coding-DNA position 3509, T replaced by C.
Protein change: p.Val1170Ala; replaces valine 1170 with alanine.
Molecular consequence: missense variant.
Genome position (GRCh38, 1-based): chr7:40,093,058, T>C. VCF-style: chr7-40093058-T-C. GRCh37 (hg19) VCF-style: chr7-40132657-T-C.
Other names: c.3329T>C, p.Val1110Ala (NM_031267.4); short protein forms V1170A, V1110A.
Identifiers: ClinVar variation 3647814 (VCV003647814.2).